The following is an entry in ClinVar:

NM_000051.4(ATM):c.2609A>G (p.Asn870Ser)

Gene: ATM (ATM serine/threonine kinase; plus strand). Cytogenetic location: 11q22.3.
Variant type: single nucleotide variant.
Coding change: c.2609A>G on transcript NM_000051.4 (MANE Select); coding-DNA position 2609, A replaced by G.
Protein change: p.Asn870Ser; replaces asparagine 870 with serine.
Molecular consequence: missense variant.
Genome position (GRCh38, 1-based): chr11:108,267,313, A>G. VCF-style: chr11-108267313-A-G. GRCh37 (hg19) VCF-style: chr11-108138040-A-G.
Other names: c.2609A>G, p.Asn870Ser (NM_001351834.2); short protein forms N870S.
Identifiers: ClinVar variation 1391357 (VCV001391357.6), dbSNP rs2135508997, ClinGen allele CA382544153.

ClinVar aggregate classification (germline): Uncertain significance (1 of 4 stars; one submission).

Conditions:
Ataxia-telangiectasia syndrome (AT). Also called: Ataxia-telangiectasia, complementation group D; Ataxia telangiectasia (A-T); Cerebello-oculocutaneous telangiectasia; Immunodeficiency with ataxia telangiectasia; ATAXIA-TELANGIECTASIA, COMPLEMENTATION GROUP A; ATAXIA-TELANGIECTASIA, FRESNO VARIANT. Identifiers: Orphanet 100, MedGen C0004135, MONDO:0008840, OMIM 208900.

Submission:

Labcorp Genetics (formerly Invitae), Labcorp
Classification: Uncertain significance for Ataxia-telangiectasia syndrome. Last evaluated: 2021-11-05. Review status: criteria provided, single submitter. Criteria: Invitae Variant Classification Sherloc (09022015). Collection method: clinical testing. Allele origin: germline.
Comment: This sequence change replaces asparagine, which is neutral and polar, with serine, which is neutral and polar, at codon 870 of the ATM protein (p.Asn870Ser). This variant is not present in population databases (gnomAD no frequency). This variant has not been reported in the literature in individuals affected with ATM-related conditions. Advanced modeling of protein sequence and biophysical properties (such as structural, functional, and spatial information, amino acid conservation, physicochemical variation, residue mobility, and thermodynamic stability) performed at Invitae indicates that this missense variant is not expected to disrupt ATM protein function. In summary, the available evidence is currently insufficient to determine the role of this variant in disease. Therefore, it has been classified as a Variant of Uncertain Significance.